The following is an entry in ClinVar:

NM_001111067.4(ACVR1):c.938C>G (p.Ala313Gly)

Gene: ACVR1 (activin A receptor type 1; minus strand). Cytogenetic location: 2q24.1.
Variant type: single nucleotide variant.
Coding change: c.938C>G on transcript NM_001111067.4 (MANE Select); coding-DNA position 938, C replaced by G.
Protein change: p.Ala313Gly; replaces alanine 313 with glycine.
Molecular consequence: missense variant.
Genome position (GRCh38, 1-based): chr2:157,766,049, G>C on the plus strand (C>G on the coding strand, the complement: ACVR1 is on the minus strand). VCF-style: chr2-157766049-G-C. GRCh37 (hg19) VCF-style: chr2-158622561-G-C.
Other names: c.938C>G, p.Ala313Gly (NM_001105.5, NM_001347663.1, NM_001347664.1 and 3 more transcripts); short protein forms A313G.
Identifiers: ClinVar variation 3674019 (VCV003674019.2).
Genomic context (GRCh38, chr2:157,766,049, plus strand): 5'-GCAATGGCTGGTTTCCCTTGGGTCCCAAATATCTCTATGTGCAAATGTGCAAGACCACTA[G>C]CTATGGACAGCACTATTCGAAGGCAGCTAACTGTATCCAGAGTAGTAAGCTGAAGATAGT-3'
Protein context (NP_001104537.1, residues 303-323): VSCLRIVLSI[Ala313Gly]SGLAHLHIEI

ClinVar aggregate classification (germline): Uncertain significance (1 of 4 stars; one submission).

Submission:

Labcorp Genetics (formerly Invitae), Labcorp
Classification: Uncertain significance. Last evaluated: 2025-07-09. Review status: criteria provided, single submitter. Criteria: Invitae Variant Classification Sherloc (09022015). Collection method: clinical testing. Allele origin: germline.
Comment: This sequence change replaces alanine, which is neutral and non-polar, with glycine, which is neutral and non-polar, at codon 313 of the ACVR1 protein (p.Ala313Gly). This variant is not present in population databases (gnomAD no frequency). This variant has not been reported in the literature in individuals affected with ACVR1-related conditions. ClinVar contains an entry for this variant (Variation ID: 3674019). An algorithm developed to predict the effect of missense changes on protein structure and function (PolyPhen-2) suggests that this variant is likely to be disruptive. In summary, the available evidence is currently insufficient to determine the role of this variant in disease. Therefore, it has been classified as a Variant of Uncertain Significance.